The following is an entry in ClinVar:

ClinVar aggregate classification (germline): Likely pathogenic (1 of 4 stars; one submission).

Submission:

Labcorp Genetics (formerly Invitae), Labcorp
Classification: Likely pathogenic. Last evaluated: 2022-04-12. Review status: criteria provided, single submitter. Criteria: Invitae Variant Classification Sherloc (09022015). Collection method: clinical testing. Allele origin: germline.
Comment: This variant results in the deletion of part of exon 2 (c.78-3441_200del) of the KIF11 gene. It is expected to disrupt RNA splicing. Variants that disrupt the donor or acceptor splice site typically lead to a loss of protein function (PMID: 16199547), and loss-of-function variants in KIF11 are known to be pathogenic (PMID: 22284827, 24281367). This variant has not been reported in the literature in individuals affected with KIF11-related conditions. In summary, the currently available evidence indicates that the variant is pathogenic, but additional data are needed to prove that conclusively. Therefore, this variant has been classified as Likely Pathogenic.

Literature cited by the submitters: PubMed 16199547; PubMed 22284827; PubMed 24281367.

NC_000010.10:g.(?_94362577)_(94366140_?)del

Gene: KIF11 (kinesin family member 11; plus strand). Cytogenetic location: 10q23.33.
Variant type: Deletion.
Identifiers: ClinVar variation 2425143 (VCV002425143.4).